The following is an entry in ClinVar:

ClinVar aggregate classification (germline): Likely benign. Review status: criteria provided, single submitter (1 of 4 stars). 2 submissions from 2 submitters: Likely benign (1). 1 of the submissions does not count toward it. Last evaluated 2025-01-23.

Conditions:
TCOF1-related disorder. Also called: TCOF1-related condition.
Treacher Collins syndrome 1 (TCS1). Also called: TCOF1-Related Treacher Collins Syndrome. Identifiers: Orphanet 861, MedGen CN315775, MONDO:0007944, OMIM 154500.

Submissions (2):

Labcorp Genetics (formerly Invitae), Labcorp
Classification: Likely benign for Treacher Collins syndrome 1. Last evaluated: 2025-01-23. Review status: criteria provided, single submitter. Criteria: Invitae Variant Classification Sherloc (09022015). Collection method: clinical testing. Allele origin: germline.

PreventionGenetics, part of Exact Sciences
Classification: Uncertain significance for TCOF1-related condition. Last evaluated: 2024-04-10. Review status: no assertion criteria provided. Collection method: clinical testing. Allele origin: germline. Not counted in ClinVar's aggregate classification.
Comment: The TCOF1 c.1044C>G variant is predicted to result in the amino acid substitution p.Asp348Glu. To our knowledge, this variant has not been reported in the literature or in a large population database, indicating this variant is rare. At this time, the clinical significance of this variant is uncertain due to the absence of conclusive functional and genetic evidence.

NM_001371623.1(TCOF1):c.1044C>G (p.Asp348Glu)

Gene: TCOF1 (treacle ribosome biogenesis factor 1; plus strand). Cytogenetic location: 5q32.
Variant type: single nucleotide variant.
Coding change: c.1044C>G on transcript NM_001371623.1 (MANE Select); coding-DNA position 1044, C replaced by G.
Protein change: p.Asp348Glu; replaces aspartic acid 348 with glutamic acid.
Molecular consequence: missense variant.
Genome position (GRCh38, 1-based): chr5:150,374,347, C>G. VCF-style: chr5-150374347-C-G. GRCh37 (hg19) VCF-style: chr5-149753910-C-G.
Other names: c.813C>G, p.Asp271Glu (NM_000356.4, NM_001135245.2); c.1044C>G, p.Asp348Glu (NM_001008657.3, NM_001135243.2, NM_001135244.2 and 1 more transcripts); short protein forms D271E, D348E.
Identifiers: ClinVar variation 3349376 (VCV003349376.3).